The following is an entry in ClinVar:

ClinVar aggregate classification (germline): Pathogenic (0 of 4 stars; one submission).

Conditions:
PRR12-related disorder. Also called: PRR12-related condition.

Submission:

PreventionGenetics, part of Exact Sciences
Classification: Pathogenic for PRR12-related condition. Last evaluated: 2023-12-08. Review status: no assertion criteria provided. Collection method: clinical testing. Allele origin: germline.
Comment: The PRR12 c.1441C>T variant is predicted to result in premature protein termination (p.Gln481*). To our knowledge, this variant has not been reported in the literature or in a large population database, indicating this variant is rare. Nonsense variants in PRR12 are expected to be pathogenic. This variant is interpreted as pathogenic.

NM_020719.3(PRR12):c.1441C>T (p.Gln481Ter)

Gene: PRR12 (proline rich 12; plus strand). Cytogenetic location: 19q13.33.
Variant type: single nucleotide variant.
Coding change: c.1441C>T on transcript NM_020719.3 (MANE Select); coding-DNA position 1441, C replaced by T.
Protein change: p.Gln481Ter; replaces glutamine 481 with a stop codon.
Molecular consequence: nonsense.
Genome position (GRCh38, 1-based): chr19:49,595,776, C>T. VCF-style: chr19-49595776-C-T. GRCh37 (hg19) VCF-style: chr19-50099033-C-T.
Other names: short protein forms Q481*.
Identifiers: ClinVar variation 3058161 (VCV003058161.2), dbSNP rs2080763536, ClinGen allele CA406865241.